The following is an entry in ClinVar:

ClinVar aggregate classification (germline): Uncertain significance (1 of 4 stars; one submission).

Conditions:
Cardiovascular phenotype. Identifiers: MedGen CN230736.

Submission:

Ambry Genetics
Classification: Uncertain significance for Cardiovascular phenotype. Last evaluated: 2025-10-12. Review status: criteria provided, single submitter. Criteria: Ambry Variant Classification Scheme 2023. Collection method: clinical testing. Allele origin: germline.
Comment: The p.I409N variant (also known as c.1226T>A), located in coding exon 10 of the LAMA4 gene, results from a T to A substitution at nucleotide position 1226. The isoleucine at codon 409 is replaced by asparagine, an amino acid with dissimilar properties. This amino acid position is conserved. In addition, this alteration is predicted to be tolerated by in silico analysis. Based on the available evidence, the clinical significance of this variant remains unclear.

NM_001105206.3(LAMA4):c.1247T>A (p.Ile416Asn)

Gene: LAMA4 (laminin subunit alpha 4; minus strand). Cytogenetic location: 6q21.
Variant type: single nucleotide variant.
Coding change: c.1247T>A on transcript NM_001105206.3 (MANE Select); coding-DNA position 1247, T replaced by A.
Protein change: p.Ile416Asn; replaces isoleucine 416 with asparagine.
Molecular consequence: missense variant.
Genome position (GRCh38, 1-based): chr6:112,175,423, A>T on the plus strand (T>A on the coding strand, the complement: LAMA4 is on the minus strand). VCF-style: chr6-112175423-A-T. GRCh37 (hg19) VCF-style: chr6-112496625-A-T.
Other names: c.1226T>A, p.Ile409Asn (NM_001105207.3, NM_002290.5); short protein forms I409N, I416N.
Identifiers: ClinVar variation 4614443 (VCV004614443.1).